The following is an entry in ClinVar:

ClinVar aggregate classification (germline): Uncertain significance (1 of 4 stars; one submission).

Conditions:
Giant axonal neuropathy 1 (GAN1). Also called: GAN-Related Neurodegeneration; GIANT AXONAL NEUROPATHY 1, AUTOSOMAL RECESSIVE. Identifiers: Orphanet 643, MedGen C1850386, MONDO:0009749, OMIM 256850.

Submission:

Labcorp Genetics (formerly Invitae), Labcorp
Classification: Uncertain significance for Giant axonal neuropathy 1. Last evaluated: 2024-05-22. Review status: criteria provided, single submitter. Criteria: Invitae Variant Classification Sherloc (09022015). Collection method: clinical testing. Allele origin: germline.
Comment: This variant, c.135_137del, results in the deletion of 1 amino acid(s) of the GAN protein (p.Lys45del), but otherwise preserves the integrity of the reading frame. This variant is not present in population databases (gnomAD no frequency). This variant has not been reported in the literature in individuals affected with GAN-related conditions. Experimental studies and prediction algorithms are not available or were not evaluated, and the functional significance of this variant is currently unknown. In summary, the available evidence is currently insufficient to determine the role of this variant in disease. Therefore, it has been classified as a Variant of Uncertain Significance.

NM_022041.4(GAN):c.132GAA[1] (p.Lys45del)

Genes: GAN (gigaxonin; plus strand), LOC130059498 (ATAC-STARR-seq lymphoblastoid silent region 7753; plus strand). Cytogenetic location: 16q23.2.
Variant type: Microsatellite.
Coding change: c.132GAA[1] on transcript NM_022041.4 (MANE Select); one copy of the 3-base unit GAA starting at c.132; the reference has two copies in a row; one copy, 3 bases deleted.
Protein change: p.Lys45del; deletes lysine 45.
Molecular consequence: 5 prime UTR variant (on NM_001377486.1).
Genome position (GRCh38, 1-based): chr16:81,315,248-81,315,250, GAA deleted; deleting any 3 consecutive bases within chr16:81,315,244-81,315,250 gives the same sequence; the position shown is the placement nearest the transcript's 3' end. VCF-style (leftmost placement, unchanged base first): chr16-81315243-CAGA-C. GRCh37 (hg19) VCF-style: chr16-81348848-CAGA-C.
Other names: c.-393GAA[1] (NM_001377486.1); short protein forms K45del.
Identifiers: ClinVar variation 3643366 (VCV003643366.2).